The following is an entry in ClinVar:

ClinVar aggregate classification (germline): Uncertain significance (1 of 4 stars; one submission).

Conditions:
Hereditary cancer-predisposing syndrome. Also called: Neoplastic Syndromes, Hereditary; Tumor predisposition; Hereditary Cancer Syndrome; Hereditary neoplastic syndrome. Identifiers: Orphanet 140162, MedGen C0027672, MeSH D009386, MONDO:0015356.

Submission:

Ambry Genetics
Classification: Uncertain significance for Hereditary cancer-predisposing syndrome. Last evaluated: 2021-09-01. Review status: criteria provided, single submitter. Criteria: Ambry Variant Classification Scheme 2023. Collection method: clinical testing. Allele origin: germline.
Comment: The p.F270L variant (also known as c.810T>A), located in coding exon 9 of the RAD51D gene, results from a T to A substitution at nucleotide position 810. The phenylalanine at codon 270 is replaced by leucine, an amino acid with highly similar properties. This amino acid position is conserved. In addition, the in silico prediction for this alteration is inconclusive. Since supporting evidence is limited at this time, the clinical significance of this alteration remains unclear.

NM_002878.4(RAD51D):c.810T>A (p.Phe270Leu)

Genes: RAD51L3-RFFL (RAD51L3-RFFL readthrough; minus strand), RAD51D (RAD51 paralog D; minus strand). Cytogenetic location: 17q12.
Variant type: single nucleotide variant.
Coding change: c.810T>A on transcript NM_002878.4 (MANE Select); coding-DNA position 810, T replaced by A.
Protein change: p.Phe270Leu; replaces phenylalanine 270 with leucine.
Molecular consequence: missense variant. On other transcripts: non-coding transcript variant (3).
Genome position (GRCh38, 1-based): chr17:35,101,294, A>T on the plus strand (T>A on the coding strand, the complement: RAD51D is on the minus strand). VCF-style: chr17-35101294-A-T. GRCh37 (hg19) VCF-style: chr17-33428313-A-T.
Other names: c.870T>A, p.Phe290Leu (NM_001142571.2); c.474T>A, p.Phe158Leu (NM_133629.3); short protein forms F270L, F158L, F290L.
Identifiers: ClinVar variation 1762039 (VCV001762039.2), dbSNP rs2142411820, ClinGen allele CA399086789.